The following is an entry in ClinVar:

ClinVar aggregate classification (germline): Uncertain significance (1 of 4 stars; one submission).

Conditions:
Familial adenomatous polyposis 1 (FAP1). Also called: FAMILIAL ADENOMATOUS POLYPOSIS 1, ATTENUATED; POLYPOSIS, ADENOMATOUS INTESTINAL. Identifiers: MedGen C2713442, MONDO:0021056, OMIM 175100. Disease mechanism: loss of function.

Submission:

Labcorp Genetics (formerly Invitae), Labcorp
Classification: Uncertain significance for Familial adenomatous polyposis 1. Last evaluated: 2022-05-13. Review status: criteria provided, single submitter. Criteria: Invitae Variant Classification Sherloc (09022015). Collection method: clinical testing. Allele origin: germline.
Comment: This sequence change replaces glutamic acid, which is acidic and polar, with lysine, which is basic and polar, at codon 56 of the APC protein (p.Glu56Lys). This variant is not present in population databases (gnomAD no frequency). This variant has not been reported in the literature in individuals affected with APC-related conditions. Algorithms developed to predict the effect of missense changes on protein structure and function are either unavailable or do not agree on the potential impact of this missense change (SIFT: "Tolerated"; PolyPhen-2: "Possibly Damaging"; Align-GVGD: "Class C0"). In summary, the available evidence is currently insufficient to determine the role of this variant in disease. Therefore, it has been classified as a Variant of Uncertain Significance.

NM_000038.6(APC):c.166G>A (p.Glu56Lys)

Gene: APC (APC regulator of Wnt signaling pathway; plus strand). Cytogenetic location: 5q22.2.
Variant type: single nucleotide variant.
Coding change: c.166G>A on transcript NM_000038.6 (MANE Select); coding-DNA position 166, G replaced by A.
Protein change: p.Glu56Lys; replaces glutamic acid 56 with lysine.
Molecular consequence: missense variant. On other transcripts: 5 prime UTR variant (4).
Genome position (GRCh38, 1-based): chr5:112,766,356, G>A. VCF-style: chr5-112766356-G-A. GRCh37 (hg19) VCF-style: chr5-112102053-G-A.
Other names: c.166G>A, p.Glu56Lys (NM_001127510.3, NM_001354895.2, NM_001354896.2 and 16 more transcripts); c.196G>A, p.Glu66Lys (NM_001127511.3, NM_001354897.2, NM_001354902.2 and 1 more transcripts); c.91G>A, p.Glu31Lys (NM_001354898.2, NM_001354904.2, NM_001407451.1); c.-12G>A (NM_001354900.2, NM_001354901.2, NM_001354905.2 and 1 more transcripts); c.-870G>A (NM_001354906.2, NM_001407470.1, NM_001407471.1 and 1 more transcripts); short protein forms E56K, E66K, E31K.
Identifiers: ClinVar variation 1947625 (VCV001947625.5), dbSNP rs786203566, ClinGen allele CA16021707.